The following is an entry in ClinVar:

NM_005422.4(TECTA):c.126T>A (p.Asp42Glu)

Genes: TECTA (tectorin alpha; plus strand), TBCEL-TECTA (TBCEL-TECTA readthrough; plus strand). Cytogenetic location: 11q23.3.
Variant type: single nucleotide variant.
Coding change: c.126T>A on transcript NM_005422.4 (MANE Select); coding-DNA position 126, T replaced by A.
Protein change: p.Asp42Glu; replaces aspartic acid 42 with glutamic acid.
Molecular consequence: missense variant.
Genome position (GRCh38, 1-based): chr11:121,105,892, T>A. VCF-style: chr11-121105892-T-A. GRCh37 (hg19) VCF-style: chr11-120976601-T-A.
Other names: c.1083T>A, p.Asp361Glu (NM_001378761.1); short protein forms D361E, D42E.
Identifiers: ClinVar variation 3377233 (VCV003377233.1).

ClinVar aggregate classification (germline): Uncertain significance (1 of 4 stars; one submission).

Conditions:
Autosomal dominant nonsyndromic hearing loss 12. Also called: DEAFNESS, AUTOSOMAL DOMINANT 8. Identifiers: Orphanet 90635, MedGen C1832187, MONDO:0011102, OMIM 601543.

Submission:

Victorian Clinical Genetics Services, Murdoch Childrens Research Institute
Classification: Uncertain significance for Autosomal dominant nonsyndromic hearing loss 12. Last evaluated: 2021-05-06. Review status: criteria provided, single submitter. Criteria: ACMG Guidelines, 2015. Collection method: clinical testing. Allele origin: germline. Inheritance: Autosomal dominant inheritance. Affected: yes.
Comment: Based on the classification scheme VCGS_Germline_v1.3.4, this variant is classified as VUS-3B. Following criteria are met: 0102 - Loss of function is a known mechanism of disease in this gene and is associated with autosomal recessive deafness 21 (MIM#603629). The mechanism for autosomal dominant deafness, 8/12 (MIM#601543) is unknown, but dominant negative is a suggested mechanism (OMIM, PMID: 31554319). (I) 0108 - This gene is associated with both recessive and dominant disease. Generally, biallelic loss of functional variants cause recessive deafness, while missense variants cause dominant deafness (PMID: 9949200, 20947814, 28946916). (I) 0200 - Variant is predicted to result in a missense amino acid change from aspartic acid to glutamic acid. (I) 0251 - This variant is heterozygous. (I) 0301 - Variant is absent from gnomAD (both v2 and v3). (SP) 0502 - Missense variant with conflicting in silico predictions and uninformative conservation. (I) 0604 - Variant is not located in an established domain, motif, hotspot or informative constraint region. (I) 0705 - No comparable missense variants have previous evidence for pathogenicity. (I) 0807 - This variant has no previous evidence of pathogenicity. (I) 0905 - No published segregation evidence has been identified for this variant. (I) 1007 - No published functional evidence has been identified for this variant. (I) 1208 - Inheritance information for this variant is not currently available in this individual. (I) Legend: (SP) - Supporting pathogenic, (I) - Information, (SB) - Supporting benign

Literature cited by the submitters: PubMed 9949200; PubMed 20947814; PubMed 28946916; PubMed 31554319.